The following is an entry in ClinVar:

NC_000017.10:g.(?_73512642)_(73520493_?)del

Gene: TSEN54 (tRNA splicing endonuclease subunit 54; plus strand). Cytogenetic location: 17q25.1.
Variant type: Deletion.
Identifiers: ClinVar variation 3243217 (VCV003243217.1).

ClinVar aggregate classification (germline): Pathogenic (1 of 4 stars; one submission).

Submission:

Labcorp Genetics (formerly Invitae), Labcorp
Classification: Pathogenic. Last evaluated: 2023-10-28. Review status: criteria provided, single submitter. Criteria: Invitae Variant Classification Sherloc (09022015). Collection method: clinical testing. Allele origin: unknown.
Comment: A gross deletion of the genomic region encompassing the full coding sequence of the TSEN54 gene has been identified. Loss-of-function variants in TSEN54 are known to be pathogenic (PMID: 18711368, 20952379). The boundaries of this event are unknown as they extend beyond the assayed region for this gene and therefore may encompass additional genes. This variant has not been reported in the literature in individuals affected with TSEN54-related conditions. For these reasons, this variant has been classified as Pathogenic.

Literature cited by the submitters: PubMed 18711368; PubMed 20952379.